The following is an entry in ClinVar:

ClinVar aggregate classification (germline): Uncertain significance. Review status: criteria provided, multiple submitters, no conflicts (2 of 4 stars). 2 submissions from 2 submitters: Uncertain significance (2). Last evaluated 2022-08-31.

Allele frequency attached by ClinVar (database versions not stated): gnomAD exomes 0.00002 and below 0.00001; gnomAD 0.00003 and 0.00004; TOPMed 0.00006; ExAC 0.00002.
gnomAD v4.1: 10 of 1,594,978 alleles (0.00063%); highest among the groups gnomAD compares: African/African-American, 0.0094%; no homozygotes.

Submissions (2):

Labcorp Genetics (formerly Invitae), Labcorp
Classification: Uncertain significance. Last evaluated: 2022-08-31. Review status: criteria provided, single submitter. Criteria: Invitae Variant Classification Sherloc (09022015). Collection method: clinical testing. Allele origin: germline.
Comment: This sequence change replaces arginine, which is basic and polar, with tryptophan, which is neutral and slightly polar, at codon 302 of the TJP2 protein (p.Arg302Trp). The frequency data for this variant in the population databases is considered unreliable, as metrics indicate poor data quality at this position in the gnomAD database. This variant has not been reported in the literature in individuals affected with TJP2-related conditions. ClinVar contains an entry for this variant (Variation ID: 44101). Algorithms developed to predict the effect of missense changes on protein structure and function are either unavailable or do not agree on the potential impact of this missense change (SIFT: "Deleterious"; PolyPhen-2: "Possibly Damaging"; Align-GVGD: "Class C0"). In summary, the available evidence is currently insufficient to determine the role of this variant in disease. Therefore, it has been classified as a Variant of Uncertain Significance.

Laboratory for Molecular Medicine, Mass General Brigham Personalized Medicine
Classification: Uncertain significance. Last evaluated: 2013-02-07. Review status: criteria provided, single submitter. Criteria: LMM Criteria. Collection method: clinical testing. Allele origin: germline. Observed: 1 variant allele.
Comment: Variant classified as Uncertain Significance - Favor Benign. The Arg279Trp varia nt in TJP2 has not been reported in the literature nor previously identified by our laboratory. Computational analyses (biochemical amino acid properties, conse rvation, AlignGVGD, PolyPhen2, and SIFT) do not provide strong support for or ag ainst an impact to the protein; however, the Arg279 site is poorly conserved in mammals. In summary, additional data is needed to determine the clinical signifi cance of this variant; however, based upon weak mammalian conservation we would lean towards a more likely benign role.

NM_004817.4(TJP2):c.904C>T (p.Arg302Trp)

Gene: TJP2 (tight junction protein 2; plus strand). Cytogenetic location: 9q21.11.
Variant type: single nucleotide variant.
Coding change: c.904C>T on transcript NM_004817.4 (MANE Select); coding-DNA position 904, C replaced by T.
Protein change: p.Arg302Trp; replaces arginine 302 with tryptophan.
Molecular consequence: missense variant.
Genome position (GRCh38, 1-based): chr9:69,221,448, C>T. VCF-style: chr9-69221448-C-T. GRCh37 (hg19) VCF-style: chr9-71836364-C-T.
Other names: c.835C>T, p.Arg279Trp (NM_001170414.2, NM_001369870.1, NM_001369871.1); c.916C>T, p.Arg306Trp (NM_001170415.1, NM_001369874.1, NM_001369875.1); c.997C>T, p.Arg333Trp (NM_001170416.2); c.904C>T, p.Arg302Trp (NM_001369872.1, NM_001369873.1, NM_201629.3); short protein forms R302W, R279W, R306W, R333W.
Identifiers: ClinVar variation 44101 (VCV000044101.7), dbSNP rs397516631, ClinGen allele CA133570.